The following is an entry in ClinVar:

NM_183065.4(TMEM107):c.256+5C>G

Genes: TMEM107 (transmembrane protein 107; minus strand), LOC105371520 (uncharacterized LOC105371520; plus strand). Cytogenetic location: 17p13.1.
Variant type: single nucleotide variant.
Coding change: c.256+5C>G on transcript NM_183065.4 (MANE Select); 5 bases into the intron after coding-DNA position 256, C replaced by G.
Molecular consequence: intron variant.
Genome position (GRCh38, 1-based): chr17:8,175,752, G>C on the plus strand (C>G on the coding strand, the complement: TMEM107 is on the minus strand). VCF-style: chr17-8175752-G-C. GRCh37 (hg19) VCF-style: chr17-8079070-G-C.
Other names: c.155+207C>G (NM_001351280.2); c.256+5C>G (NM_001351279.2); c.274+5C>G (NM_001351278.2, NM_032354.5).
Identifiers: ClinVar variation 1479313 (VCV001479313.4), dbSNP rs764515694, ClinGen allele CA287528108.
Genomic context (GRCh38, chr17:8,175,752, plus strand): 5'-GGTGGCTGAAGGGAGTCCTGATAGAAGTGGGTCGTGTGGGAAAGGTGGGCAGGCAGAAAG[G>C]ATACAGATGAGGCTCTGGGTGCTGTTGAACATGGAGACTCCTGAGAGGAAACCGGCCAGC-3'

ClinVar aggregate classification (germline): Uncertain significance (1 of 4 stars; one submission).

Allele frequency attached by ClinVar (database versions not stated): TOPMed 0.00003.
gnomAD v4.1: 16 of 1,612,980 alleles (0.00099%); highest among the groups gnomAD compares: Non-Finnish European, 0.0014%; no homozygotes.

Submission:

Labcorp Genetics (formerly Invitae), Labcorp
Classification: Uncertain significance. Last evaluated: 2023-06-30. Review status: criteria provided, single submitter. Criteria: Invitae Variant Classification Sherloc (09022015). Collection method: clinical testing. Allele origin: germline.
Comment: This variant has not been reported in the literature in individuals affected with TMEM107-related conditions. This sequence change falls in intron 3 of the TMEM107 gene. It does not directly change the encoded amino acid sequence of the TMEM107 protein. It affects a nucleotide within the consensus splice site. This variant is present in population databases (no rsID available, gnomAD 0.002%). ClinVar contains an entry for this variant (Variation ID: 1479313). Variants that disrupt the consensus splice site are a relatively common cause of aberrant splicing (PMID: 17576681, 9536098). Algorithms developed to predict the effect of sequence changes on RNA splicing suggest that this variant may disrupt the consensus splice site. In summary, the available evidence is currently insufficient to determine the role of this variant in disease. Therefore, it has been classified as a Variant of Uncertain Significance.

Literature cited by the submitters: PubMed 17576681; PubMed 9536098.